The following is an entry in ClinVar:

ClinVar aggregate classification (germline): Uncertain significance (1 of 4 stars; one submission).

gnomAD v4.1: 1 of 1,612,702 alleles (0.000062%); highest among the groups gnomAD compares: Non-Finnish European, 0.000085%; no homozygotes.

Submission:

Labcorp Genetics (formerly Invitae), Labcorp
Classification: Uncertain significance. Last evaluated: 2025-09-27. Review status: criteria provided, single submitter. Criteria: Invitae Variant Classification Sherloc (09022015). Collection method: clinical testing. Allele origin: germline.
Comment: This sequence change replaces valine, which is neutral and non-polar, with isoleucine, which is neutral and non-polar, at codon 723 of the CUL3 protein (p.Val723Ile). This variant is not present in population databases (gnomAD no frequency). This variant has not been reported in the literature in individuals affected with CUL3-related conditions. Invitae Evidence Modeling of protein sequence and biophysical properties (such as structural, functional, and spatial information, amino acid conservation, physicochemical variation, residue mobility, and thermodynamic stability) indicates that this missense variant is not expected to disrupt CUL3 protein function with a negative predictive value of 95%. In summary, the available evidence is currently insufficient to determine the role of this variant in disease. Therefore, it has been classified as a Variant of Uncertain Significance.

NM_003590.5(CUL3):c.2167G>A (p.Val723Ile)

Gene: CUL3 (cullin 3; minus strand). Cytogenetic location: 2q36.2.
Variant type: single nucleotide variant.
Coding change: c.2167G>A on transcript NM_003590.5 (MANE Select); coding-DNA position 2167, G replaced by A.
Protein change: p.Val723Ile; replaces valine 723 with isoleucine.
Molecular consequence: missense variant.
Genome position (GRCh38, 1-based): chr2:224,478,208, C>T on the plus strand (G>A on the coding strand, the complement: CUL3 is on the minus strand). VCF-style: chr2-224478208-C-T. GRCh37 (hg19) VCF-style: chr2-225342925-C-T.
Other names: c.1969G>A, p.Val657Ile (NM_001257197.2); c.2185G>A, p.Val729Ile (NM_001257198.2); short protein forms V657I, V723I, V729I.
Identifiers: ClinVar variation 4747318 (VCV004747318.1).